The following is an entry in ClinVar:

NM_001042492.3(NF1):c.5561T>G (p.Leu1854Arg)

Gene: NF1 (neurofibromin 1; plus strand). Cytogenetic location: 17q11.2.
Variant type: single nucleotide variant.
Coding change: c.5561T>G on transcript NM_001042492.3 (MANE Select); coding-DNA position 5561, T replaced by G.
Protein change: p.Leu1854Arg; replaces leucine 1854 with arginine.
Molecular consequence: missense variant.
Genome position (GRCh38, 1-based): chr17:31,327,791, T>G. VCF-style: chr17-31327791-T-G. GRCh37 (hg19) VCF-style: chr17-29654809-T-G.
Other names: c.5498T>G, p.Leu1833Arg (NM_000267.4); short protein forms L1833R, L1854R.
Identifiers: ClinVar variation 237576 (VCV000237576.11), dbSNP rs878853903, ClinGen allele CA10583513.

ClinVar aggregate classification (germline): Pathogenic. Review status: criteria provided, multiple submitters, no conflicts (2 of 4 stars). 3 submissions from 3 submitters: Pathogenic (3). Last evaluated 2025-02-17.

Conditions:
Cardiovascular phenotype. Identifiers: MedGen CN230736.
Hereditary cancer-predisposing syndrome. Also called: Tumor predisposition; Hereditary Cancer Syndrome; Hereditary neoplastic syndrome; Neoplastic Syndromes, Hereditary. Identifiers: Orphanet 140162, MedGen C0027672, MeSH D009386, MONDO:0015356.
Neurofibromatosis, type 1 (NF1). Also called: VON RECKLINGHAUSEN DISEASE; NEUROFIBROMATOSIS, TYPE I, SOMATIC; Peripheral type neurofibromatosis; Neurofibromatosis, type I. Identifiers: Orphanet 636, MedGen C0027831, MONDO:0018975, OMIM 162200. Disease mechanism: loss of function.

Submissions (3):

Ambry Genetics
Classification: Pathogenic for Cardiovascular phenotype; Hereditary cancer-predisposing syndrome. Last evaluated: 2025-02-17. Review status: criteria provided, single submitter. Criteria: Ambry Variant Classification Scheme 2023. Collection method: clinical testing. Allele origin: germline.
Comment: The p.L1833R pathogenic mutation (also known as c.5498T>G), located in coding exon 37 of the NF1 gene, results from a T to G substitution at nucleotide position 5498. The leucine at codon 1833 is replaced by arginine, an amino acid with dissimilar properties. This variant was reported in individual(s) with features consistent with neurofibromatosis type 1; in at least one individual, it was determined to be de novo (external communication; Ambry internal data). This amino acid position is highly conserved in available vertebrate species. In addition, this alteration is predicted to be deleterious by in silico analysis. This variant is considered to be rare based on population cohorts in the Genome Aggregation Database (gnomAD). Based on the available evidence, this variant is classified as a pathogenic mutation.

Genome-Nilou Lab
Classification: Pathogenic for Neurofibromatosis, type 1. Last evaluated: 2022-03-15. Review status: criteria provided, single submitter. Criteria: ACMG Guidelines, 2015. Collection method: clinical testing. Allele origin: germline. Affected: no.

Labcorp Genetics (formerly Invitae), Labcorp
Classification: Pathogenic for Neurofibromatosis, type 1. Last evaluated: 2016-04-25. Review status: criteria provided, single submitter. Criteria: Invitae Variant Classification Sherloc (09022015). Collection method: clinical testing. Allele origin: germline.
Comment: This sequence change replaces leucine with arginine at codon 1833 of the NF1 protein (p.Leu1833Arg). The leucine residue is moderately conserved and there is a moderate physicochemical difference between leucine and arginine. This variant is not present in population databases (ExAC no frequency) and has not been reported in the literature in individuals with a NF1-related disease. Algorithms developed to predict the effect of missense changes on protein structure and function do not agree on the potential impact of this missense change (SIFT: "Deleterious"; PolyPhen-2: "Probably Damaging"; Align-GVGD: "Class C0"). In summary, this variant is absent from the population and has been observed to occur de novo in an affected individual. Therefore, it has been classified as Pathogenic.

Literature cited by the submitters: PubMed 24789688 (cited by Ambry Genetics).